The following is an entry in ClinVar:

ClinVar aggregate classification (germline): Uncertain significance (1 of 4 stars; one submission).

Submission:

Labcorp Genetics (formerly Invitae), Labcorp
Classification: Uncertain significance. Last evaluated: 2022-02-08. Review status: criteria provided, single submitter. Criteria: Invitae Variant Classification Sherloc (09022015). Collection method: clinical testing. Allele origin: germline.
Comment: This sequence change replaces aspartic acid, which is acidic and polar, with asparagine, which is neutral and polar, at codon 138 of the ERCC6 protein (p.Asp138Asn). This variant is not present in population databases (gnomAD no frequency). This variant has not been reported in the literature in individuals affected with ERCC6-related conditions. Algorithms developed to predict the effect of missense changes on protein structure and function are either unavailable or do not agree on the potential impact of this missense change (SIFT: "Deleterious"; PolyPhen-2: "Possibly Damaging"; Align-GVGD: "Class C15"). In summary, the available evidence is currently insufficient to determine the role of this variant in disease. Therefore, it has been classified as a Variant of Uncertain Significance.

NM_000124.4(ERCC6):c.412G>A (p.Asp138Asn)

Gene: ERCC6 (ERCC excision repair 6, chromatin remodeling factor; minus strand). Cytogenetic location: 10q11.23.
Variant type: single nucleotide variant.
Coding change: c.412G>A on transcript NM_000124.4 (MANE Select); coding-DNA position 412, G replaced by A.
Protein change: p.Asp138Asn; replaces aspartic acid 138 with asparagine.
Molecular consequence: missense variant.
Genome position (GRCh38, 1-based): chr10:49,532,553, C>T on the plus strand (G>A on the coding strand, the complement: ERCC6 is on the minus strand). VCF-style: chr10-49532553-C-T. GRCh37 (hg19) VCF-style: chr10-50740599-C-T.
Other names: c.412G>A, p.Asp138Asn (NM_001277058.2, NM_001277059.2, NM_001346440.2); short protein forms D138N.
Identifiers: ClinVar variation 1984460 (VCV001984460.1), dbSNP rs2496172906, ClinGen allele CA376711912.
Genomic context (GRCh38, chr10:49,532,553, plus strand): 5'-CTGTCATGTTTTACCACCACTTTGAAAGGAAGAAGATGGGCTGCACTCACGTGAGGTCAT[C>T]CAGGACCGACCGATACTCCTTCTCCACGTCAACGAGCTGGGAGGCACGGCTGGCCTCATG-3'
Protein context (NP_000115.1, residues 128-148): DVEKEYRSVL[Asp138Asn]DLTSCTTSLR